The following is an entry in ClinVar:

ClinVar aggregate classification (germline): Uncertain significance (1 of 4 stars; one submission).

Submission:

Athena Diagnostics
Classification: Uncertain significance. Last evaluated: 2023-11-16. Review status: criteria provided, single submitter. Criteria: Athena Diagnostics Criteria. Collection method: clinical testing. Allele origin: unknown.
Comment: Available data are insufficient to determine the clinical significance of the variant at this time. This variant has not been reported in large, multi-ethnic general populations. Computational tools yielded predictions that this variant is unlikely to have an effect on normal RNA splicing.

NM_000458.4(HNF1B):c.1340-16C>A

Gene: HNF1B (HNF1 homeobox B; minus strand). Cytogenetic location: 17q12.
Variant type: single nucleotide variant.
Coding change: c.1340-16C>A on transcript NM_000458.4 (MANE Select); 16 bases into the intron before coding-DNA position 1340, C replaced by A.
Molecular consequence: intron variant.
Genome position (GRCh38, 1-based): chr17:37,701,193, G>T on the plus strand (C>A on the coding strand, the complement: HNF1B is on the minus strand). VCF-style: chr17-37701193-G-T. GRCh37 (hg19) VCF-style: chr17-36061198-G-T.
Other names: c.1261+3724C>A (NM_001304286.2); c.1262-16C>A (NM_001165923.4); c.1340-16C>A (NM_001411100.1).
Identifiers: ClinVar variation 3571733 (VCV003571733.1).